The following is an entry in ClinVar:

NM_001625.4(AK2):c.203T>C (p.Met68Thr)

Gene: AK2 (adenylate kinase 2; minus strand). Cytogenetic location: 1p35.1.
Variant type: single nucleotide variant.
Coding change: c.203T>C on transcript NM_001625.4 (MANE Select); coding-DNA position 203, T replaced by C.
Protein change: p.Met68Thr; replaces methionine 68 with threonine.
Molecular consequence: missense variant. On other transcripts: non-coding transcript variant (1), intron variant (1).
Genome position (GRCh38, 1-based): chr1:33,024,458, A>G on the plus strand (T>C on the coding strand, the complement: AK2 is on the minus strand). VCF-style: chr1-33024458-A-G. GRCh37 (hg19) VCF-style: chr1-33490059-A-G.
Other names: c.203T>C, p.Met68Thr (NM_001199199.3, NM_001319141.3, NM_001319143.2 and 1 more transcripts); c.59T>C, p.Met20Thr (NM_001319139.3, NM_001319140.2); c.94-2755T>C (NM_001319142.3); short protein forms M68T, M20T.
Identifiers: ClinVar variation 934715 (VCV000934715.8), dbSNP rs1639747572, ClinGen allele CA339702758.

ClinVar aggregate classification (germline): Uncertain significance (1 of 4 stars; one submission).

Conditions:
Reticular dysgenesis. Also called: ALEUKOCYTOSIS; CONGENITAL ALEUKIA; HEMATOPOIETIC HYPOPLASIA, GENERALIZED; RETICULAR DYSGENESIA; SEVERE COMBINED IMMUNODEFICIENCY WITH LEUKOPENIA; DeVaal disease. Identifiers: Orphanet 33355, MedGen C0272167, MONDO:0009973, OMIM 267500.

Allele frequency attached by ClinVar (database versions not stated): gnomAD exomes 0.00001; TOPMed 0.00001.

Submission:

Labcorp Genetics (formerly Invitae), Labcorp
Classification: Uncertain significance for Reticular dysgenesis. Last evaluated: 2022-02-05. Review status: criteria provided, single submitter. Criteria: Invitae Variant Classification Sherloc (09022015). Collection method: clinical testing. Allele origin: germline.
Comment: In summary, the available evidence is currently insufficient to determine the role of this variant in disease. Therefore, it has been classified as a Variant of Uncertain Significance. Algorithms developed to predict the effect of missense changes on protein structure and function are either unavailable or do not agree on the potential impact of this missense change (SIFT: "Deleterious"; PolyPhen-2: "Benign"; Align-GVGD: "Class C65"). ClinVar contains an entry for this variant (Variation ID: 934715). This variant has not been reported in the literature in individuals affected with AK2-related conditions. This variant is not present in population databases (gnomAD no frequency). This sequence change replaces methionine, which is neutral and non-polar, with threonine, which is neutral and polar, at codon 68 of the AK2 protein (p.Met68Thr).